The following is an entry in ClinVar:

ClinVar aggregate classification (germline): Uncertain significance (1 of 4 stars; one submission).

Conditions:
COA7-related disorder. Also called: COA7-related condition.

Submission:

PreventionGenetics, part of Exact Sciences
Classification: Uncertain significance for COA7-related condition. Last evaluated: 2025-02-06. Review status: criteria provided, single submitter. Criteria: ACMG Guidelines, 2015. Collection method: clinical testing. Allele origin: germline.
Comment: The COA7 c.638G>C variant is predicted to result in the amino acid substitution p.Arg213Pro. To our knowledge, this variant has not been reported in the literature or in a large population database (gnomAD), indicating this variant is rare. At this time, the clinical significance of this variant is uncertain due to the absence of conclusive functional and genetic evidence.

NM_023077.3(COA7):c.638G>C (p.Arg213Pro)

Gene: COA7 (cytochrome c oxidase assembly factor 7; minus strand). Cytogenetic location: 1p32.3.
Variant type: single nucleotide variant.
Coding change: c.638G>C on transcript NM_023077.3 (MANE Select); coding-DNA position 638, G replaced by C.
Protein change: p.Arg213Pro; replaces arginine 213 with proline.
Molecular consequence: missense variant.
Genome position (GRCh38, 1-based): chr1:52,687,778, C>G on the plus strand (G>C on the coding strand, the complement: COA7 is on the minus strand). VCF-style: chr1-52687778-C-G. GRCh37 (hg19) VCF-style: chr1-53153450-C-G.
Other names: short protein forms R213P.
Identifiers: ClinVar variation 4998057 (VCV004998057.1).